The following is an entry in ClinVar:

ClinVar aggregate classification (germline): Uncertain significance (1 of 4 stars; one submission).

gnomAD v4.1: 2 of 1,604,210 alleles (0.00012%); highest among the groups gnomAD compares: Non-Finnish European, 0.000085%; no homozygotes.

Submission:

GeneDx
Classification: Uncertain significance. Last evaluated: 2026-04-09. Review status: criteria provided, single submitter. Criteria: GeneDx Variant Classification Process June 2021. Collection method: clinical testing. Allele origin: germline.
Comment: In silico analysis suggests that this variant does not alter splicing; Has not been previously published as pathogenic or benign to our knowledge

NM_016628.5(WAC):c.42C>G (p.Gly14=)

Genes: WAC (WW domain containing adaptor with coiled-coil; plus strand), LOC130003576 (ATAC-STARR-seq lymphoblastoid silent region 2255; plus strand). Cytogenetic location: 10p12.1.
Variant type: single nucleotide variant.
Coding change: c.42C>G on transcript NM_016628.5 (MANE Select); coding-DNA position 42, C replaced by G.
Protein change: p.Gly14=; no amino-acid change (glycine 14 retained).
Molecular consequence: synonymous variant. On other transcripts: 5 prime UTR variant (1).
Genome position (GRCh38, 1-based): chr10:28,533,998, C>G. VCF-style: chr10-28533998-C-G. GRCh37 (hg19) VCF-style: chr10-28822927-C-G.
Other names: c.42C>G, p.Gly14= (NM_100486.4); c.-94C>G (NM_100264.3).
Identifiers: ClinVar variation 5018395 (VCV005018395.1).